The following is an entry in ClinVar:

NM_021814.5(ELOVL5):c.560C>T (p.Ser187Leu)

Gene: ELOVL5 (ELOVL fatty acid elongase 5; minus strand). Cytogenetic location: 6p12.1.
Variant type: single nucleotide variant.
Coding change: c.560C>T on transcript NM_021814.5 (MANE Select); coding-DNA position 560, C replaced by T.
Protein change: p.Ser187Leu; replaces serine 187 with leucine.
Molecular consequence: missense variant. On other transcripts: intron variant (1).
Genome position (GRCh38, 1-based): chr6:53,273,281, G>A on the plus strand (C>T on the coding strand, the complement: ELOVL5 is on the minus strand). VCF-style: chr6-53273281-G-A. GRCh37 (hg19) VCF-style: chr6-53138079-G-A.
Other names: c.641C>T, p.Ser214Leu (NM_001242828.2); c.560C>T, p.Ser187Leu (NM_001301856.2); c.496+1809C>T (NM_001242830.2); short protein forms S187L, S214L.
Identifiers: ClinVar variation 3650974 (VCV003650974.2).

ClinVar aggregate classification (germline): Uncertain significance (1 of 4 stars; one submission).

Submission:

Labcorp Genetics (formerly Invitae), Labcorp
Classification: Uncertain significance. Last evaluated: 2024-08-17. Review status: criteria provided, single submitter. Criteria: Invitae Variant Classification Sherloc (09022015). Collection method: clinical testing. Allele origin: germline.
Comment: This sequence change replaces serine, which is neutral and polar, with leucine, which is neutral and non-polar, at codon 187 of the ELOVL5 protein (p.Ser187Leu). This variant is not present in population databases (gnomAD no frequency). This variant has not been reported in the literature in individuals affected with ELOVL5-related conditions. Invitae Evidence Modeling of protein sequence and biophysical properties (such as structural, functional, and spatial information, amino acid conservation, physicochemical variation, residue mobility, and thermodynamic stability) indicates that this missense variant is expected to disrupt ELOVL5 protein function with a positive predictive value of 80%. In summary, the available evidence is currently insufficient to determine the role of this variant in disease. Therefore, it has been classified as a Variant of Uncertain Significance.